The following is an entry in ClinVar:

ClinVar aggregate classification (germline): Pathogenic/Likely pathogenic. Review status: criteria provided, multiple submitters, no conflicts (2 of 4 stars). 3 submissions from 3 submitters: Pathogenic (1); Likely pathogenic (2). Last evaluated 2026-01-17.

Conditions:
IFT140-related disorders.
Saldino-Mainzer syndrome (SRTD9). Also called: Renal dysplasia, retinal pigmentary dystrophy, cerebellar ataxia and skeletal dysplasia; SHORT-RIB THORACIC DYSPLASIA 9 WITHOUT POLYDACTYLY; short-rib thoracic dysplasia 9 with or without polydactyly; CONORENAL SYNDROME. Identifiers: Orphanet 140969, MedGen C1849437, MONDO:0009964, OMIM 266920.
Retinitis pigmentosa 80 (RP80). Identifiers: MedGen C4540439, MONDO:0054708, OMIM 617781.

Submissions (3):

Labcorp Genetics (formerly Invitae), Labcorp
Classification: Pathogenic for Saldino-Mainzer syndrome. Last evaluated: 2026-01-17. Review status: criteria provided, single submitter. Criteria: Invitae Variant Classification Sherloc (09022015). Collection method: clinical testing. Allele origin: germline.
Comment: This sequence change creates a premature translational stop signal (p.Trp885Cysfs*7) in the IFT140 gene. It is expected to result in an absent or disrupted protein product. Loss-of-function variants in IFT140 are known to be pathogenic (PMID: 22503633, 23418020, 24009529, 26216056). This variant is present in population databases (rs762111572, gnomAD 0.008%). This variant has not been reported in the literature in individuals affected with IFT140-related conditions. ClinVar contains an entry for this variant (Variation ID: 865925). For these reasons, this variant has been classified as Pathogenic.

Fulgent Genetics
Classification: Likely pathogenic for Saldino-Mainzer syndrome; Retinitis pigmentosa 80. Last evaluated: 2024-01-30. Review status: criteria provided, single submitter. Criteria: ACMG Guidelines, 2015. Collection method: clinical testing. Allele origin: germline.

Blueprint Genetics
Classification: Likely pathogenic for IFT140-related disorders. Last evaluated: 2019-04-26. Review status: criteria provided, single submitter. Criteria: ACMG Guidelines, 2015. Collection method: clinical testing. Allele origin: germline. Affected: yes. Observed: 1 variant allele.

Literature cited by the submitters: PubMed 22503633 (cited by Labcorp Genetics (formerly Invitae), Labcorp); PubMed 23418020 (cited by Labcorp Genetics (formerly Invitae), Labcorp); PubMed 24009529 (cited by Labcorp Genetics (formerly Invitae), Labcorp); PubMed 26216056 (cited by Labcorp Genetics (formerly Invitae), Labcorp).

NM_014714.4(IFT140):c.2655del (p.Trp885fs)

Gene: IFT140 (intraflagellar transport 140; minus strand). Cytogenetic location: 16p13.3.
Variant type: Deletion.
Coding change: c.2655del on transcript NM_014714.4 (MANE Select); coding-DNA position 2655, one base deleted (G; older notation c.2655delG).
Protein change: p.Trp885fs; shifts the reading frame from tryptophan 885.
Molecular consequence: frameshift variant.
Genome position (GRCh38, 1-based): chr16:1,526,000, C deleted on the plus strand (G on the coding strand, the reverse complement: IFT140 is on the minus strand); the first of 2 consecutive C bases (chr16:1,526,000-1,526,001); deleting either gives the same sequence. VCF-style (leftmost placement, unchanged base first): chr16-1525999-GC-G. GRCh37 (hg19) VCF-style: chr16-1576000-GC-G.
Other names: short protein forms W885fs.
Identifiers: ClinVar variation 865925 (VCV000865925.5), dbSNP rs762111572, ClinGen allele CA7813541.